The following is an entry in ClinVar:

ClinVar aggregate classification (germline): Uncertain significance (1 of 4 stars; one submission).

Allele frequency attached by ClinVar (database versions not stated): TOPMed 0.00002; ExAC 0.00007.
gnomAD v4.1: 24 of 1,612,854 alleles (0.0015%); highest among the groups gnomAD compares: South Asian, 0.02%; no homozygotes.

Submission:

GeneDx
Classification: Uncertain significance. Last evaluated: 2014-07-02. Review status: criteria provided, single submitter. Criteria: GeneDx Variant Classification (06012015). Collection method: clinical testing. Allele origin: germline. Affected: yes.
Comment: Missense variants in the TTN gene are considered 'unclassified' if they are not previously reported in the literature and do not have >1% frequency in the population to be considered a polymorphism. Research indicates that truncating mutations in the TTN gene are expected to account for approximately 25% of familial and 18% of sporadic idiopathic DCM; however, truncating variants in the TTN gene have been reported in approximately 3% of reported control alleles. There has been little investigation into non-truncating variants. (Herman D et al. Truncations of titin causing dilated cardiomyopathy. N Eng J Med 366:619-628, 2012) The variant is found in CARDIOMYOPATHY panel(s).

NM_133379.5(TTN):c.14122C>G (p.Gln4708Glu)

Genes: TTN (titin; minus strand), LOC126806432 (CDK7 strongly-dependent group 2 enhancer GRCh37_chr2:179611985-179613184; plus strand). Cytogenetic location: 2q31.2.
Variant type: single nucleotide variant.
Coding change: c.14122C>G on transcript NM_133379.5 (MANE Plus Clinical); coding-DNA position 14122, C replaced by G.
Protein change: p.Gln4708Glu; replaces glutamine 4708 with glutamic acid.
Molecular consequence: missense variant. On other transcripts: intron variant (6).
Genome position (GRCh38, 1-based): chr2:178,748,278, G>C on the plus strand (C>G on the coding strand, the complement: TTN is on the minus strand). VCF-style: chr2-178748278-G-C. GRCh37 (hg19) VCF-style: chr2-179613005-G-C.
Other names: p.Q4708E:CAG>GAG; c.10222+4846C>G (NM_003319.4); c.10798+4846C>G (NM_133437.4); c.10597+4846C>G (NM_133432.3); c.10360+4846C>G (NM_133378.4, NM_001256850.1); c.11311+4846C>G (NM_001267550.2); short protein forms Q4708E.
Identifiers: ClinVar variation 203203 (VCV000203203.2), dbSNP rs372982398, ClinGen allele CA311668.